The following is an entry in ClinVar:

ClinVar aggregate classification (germline): Uncertain significance. Review status: criteria provided, multiple submitters, no conflicts (2 of 4 stars). 4 submissions from 4 submitters: Uncertain significance (3). 1 of the submissions does not count toward it. Last evaluated 2022-06-27.

Conditions:
Inborn genetic diseases. Identifiers: MedGen C0950123, MeSH D030342.
Neuronal ceroid lipofuscinosis 2. Also called: JANSKY-BIELSCHOWSKY DISEASE NEURONAL CEROID LIPOFUSCINOSIS, LATE INFANTILE; TPP1-Related Neuronal Ceroid-Lipofuscinosis. Identifiers: Orphanet 168491, Orphanet 228349, Orphanet 79264, MedGen C1876161, MONDO:0008769, OMIM 204500.

Allele frequency attached by ClinVar (database versions not stated): TOPMed 0.00001.
gnomAD v4.1: 28 of 1,613,612 alleles (0.0017%); highest among the groups gnomAD compares: South Asian, 0.023%; no homozygotes.

Submissions (4):

Labcorp Genetics (formerly Invitae), Labcorp
Classification: Uncertain significance. Last evaluated: 2022-06-27. Review status: criteria provided, single submitter. Criteria: Invitae Variant Classification Sherloc (09022015). Collection method: clinical testing. Allele origin: germline.
Comment: This sequence change replaces arginine, which is basic and polar, with cysteine, which is neutral and slightly polar, at codon 245 of the TPP1 protein (p.Arg245Cys). This variant is present in population databases (rs587780481, gnomAD 0.02%). This variant has not been reported in the literature in individuals affected with TPP1-related conditions. ClinVar contains an entry for this variant (Variation ID: 130611). Advanced modeling of protein sequence and biophysical properties (such as structural, functional, and spatial information, amino acid conservation, physicochemical variation, residue mobility, and thermodynamic stability) performed at Invitae indicates that this missense variant is expected to disrupt TPP1 protein function. Algorithms developed to predict the effect of sequence changes on RNA splicing suggest that this variant may create or strengthen a splice site. In summary, the available evidence is currently insufficient to determine the role of this variant in disease. Therefore, it has been classified as a Variant of Uncertain Significance.

Ambry Genetics
Classification: Uncertain significance for Inborn genetic diseases. Last evaluated: 2021-02-09. Review status: criteria provided, single submitter. Criteria: Ambry Variant Classification Scheme 2023. Collection method: clinical testing. Allele origin: germline.

Genetic Services Laboratory, University of Chicago
Classification: Uncertain significance. Last evaluated: 2013-10-02. Review status: criteria provided, single submitter. Criteria: ACMG Guidelines, 2007. Collection method: clinical testing. Allele origin: germline. Inheritance: Autosomal recessive inheritance.

Natera, Inc.
Classification: Uncertain significance for Neuronal ceroid lipofuscinosis 2. Last evaluated: 2020-01-24. Review status: no assertion criteria provided. Collection method: clinical testing. Allele origin: germline. Not counted in ClinVar's aggregate classification.

NM_000391.4(TPP1):c.733C>T (p.Arg245Cys)

Gene: TPP1 (tripeptidyl peptidase 1; minus strand). Cytogenetic location: 11p15.4.
Variant type: single nucleotide variant.
Coding change: c.733C>T on transcript NM_000391.4 (MANE Select); coding-DNA position 733, C replaced by T.
Protein change: p.Arg245Cys; replaces arginine 245 with cysteine.
Molecular consequence: missense variant.
Genome position (GRCh38, 1-based): chr11:6,616,814, G>A on the plus strand (C>T on the coding strand, the complement: TPP1 is on the minus strand). VCF-style: chr11-6616814-G-A. GRCh37 (hg19) VCF-style: chr11-6638045-G-A.
Other names: short protein forms R245C.
Identifiers: ClinVar variation 130611 (VCV000130611.11), dbSNP rs587780481, ClinGen allele CA231555.
Genomic context (GRCh38, chr11:6,616,814, plus strand): 5'-CCTGTTGTCCAACCACACGGGCTACTGATGCCTGATGTGCAAAGTTGCCACCGAAGAGGC[G>A]CATGAACTGAGCCAGGTCTGAGTCATGGAAATACTGCTCCAGGAACTATGGAGGGAGTCA-3'
Protein context (NP_000382.3, residues 235-255): FHDSDLAQFM[Arg245Cys]LFGGNFAHQA